The following is an entry in ClinVar:

NC_000010.10:g.(69299428_69366614)_(69407277_69455757)dup

Gene: CTNNA3 (catenin alpha 3; minus strand). Cytogenetic location: 10q21.3.
Variant type: Duplication.
Identifiers: ClinVar variation 4848976 (VCV004848976.1).

ClinVar aggregate classification (germline): Benign (1 of 4 stars; one submission).

Submission:

Women's Health and Genetics/Laboratory Corporation of America, LabCorp
Classification: Benign. Last evaluated: 2026-04-28. Review status: criteria provided, single submitter. Criteria: LabCorp Variant Classification Summary - May 2015. Collection method: clinical testing. Allele origin: germline.
Comment: Variant summary: The variant involves the duplication of exons 2-3 in the CTNNA3 gene. A presumed nomenclature of c.(-6+1_-5-1)_(292+1_293-1)dup has been designated for the purposes of this classification. The exact breakpoint at the 5' end of this variant is unknown, therefore this duplication may extend upstream of the annotated region of this gene. It is predicted to duplicate a segment including the initiation codon, therefore its impact on the encoded protein is unknown. The variant allele was found at a frequency of 0.0012 in 21694 control chromosomes, predominantly at a frequency of 0.0025 within the African or African-American subpopulation in the gnomAD database. The observed variant frequency within African or African-American control individuals in the gnomAD database exceeds the estimated maximal expected allele frequency for disease-causing variants in CTNNA3. To our knowledge, no occurrence of c.(-6+1_-5-1)_(292+1_293-1)dup in individuals affected with CTNNA3-related conditions and no experimental evidence demonstrating its impact on protein function have been reported. ClinVar contains an entry for this variant (Variation ID: 1411745). Based on the evidence outlined above, the variant was classified as benign.